The following is an entry in ClinVar:

NM_007294.4(BRCA1):c.2830T>G (p.Cys944Gly)

Gene: BRCA1 (BRCA1 DNA repair associated; minus strand). Cytogenetic location: 17q21.31.
Variant type: single nucleotide variant.
Coding change: c.2830T>G on transcript NM_007294.4 (MANE Select); coding-DNA position 2830, T replaced by G.
Protein change: p.Cys944Gly; replaces cysteine 944 with glycine.
Molecular consequence: missense variant. On other transcripts: intron variant (137).
Genome position (GRCh38, 1-based): chr17:43,092,701, A>C on the plus strand (T>G on the coding strand, the complement: BRCA1 is on the minus strand). VCF-style: chr17-43092701-A-C. GRCh37 (hg19) VCF-style: chr17-41244718-A-C.
Other names: c.2617T>G, p.Cys873Gly (NM_001407571.1, NM_001407915.1, NM_001407916.1 and 9 more transcripts); c.2830T>G, p.Cys944Gly (NM_001407581.1, NM_001407582.1, NM_001407583.1 and 30 more transcripts); c.2827T>G, p.Cys943Gly (NM_001407587.1, NM_001407590.1, NM_001407591.1 and 22 more transcripts); c.2752T>G, p.Cys918Gly (NM_001407653.1, NM_001407654.1, NM_001407655.1 and 4 more transcripts); c.2749T>G, p.Cys917Gly (NM_001407659.1, NM_001407660.1, NM_001407661.1 and 1 more transcripts); c.2704T>G, p.Cys902Gly (NM_001407672.1, NM_001407673.1, NM_001407691.1 and 11 more transcripts); c.2707T>G, p.Cys903Gly (NM_001407674.1, NM_001407675.1, NM_001407676.1 and 19 more transcripts); c.2689T>G, p.Cys897Gly (NM_001407692.1, NM_001407694.1, NM_001407695.1 and 29 more transcripts); and 41 more; short protein forms C897G, C944G, C832G, C833G, C903G, C918G, C817G, C874G.
Identifiers: ClinVar variation 1183948 (VCV001183948.6), dbSNP rs1064795603, ClinGen allele CA10596328.
Genomic context (GRCh38, chr17:43,092,701, plus strand): 5'-CAGTTTCGTTGCCTCTGAACTGAGATGATAGACAAAACCTAGAGCCTCCTTTGATACTAC[A>C]TTTGGCATTATCAACTGGCTTATCTTTCTGACCAACCACAGGAAAGCCTGCAGTGATATT-3'
Protein context (NP_009225.1, residues 934-954): QKDKPVDNAK[Cys944Gly]SIKGGSRFCL

ClinVar aggregate classification (germline): Conflicting classifications of pathogenicity. Review status: criteria provided, conflicting classifications (1 of 4 stars). 3 submissions from 3 submitters: Uncertain significance (2); Likely benign (1). Last evaluated 2026-07-07.

Conditions:
Hereditary cancer-predisposing syndrome. Also called: Neoplastic Syndromes, Hereditary; Tumor predisposition; Hereditary Cancer Syndrome; Hereditary neoplastic syndrome. Identifiers: Orphanet 140162, MedGen C0027672, MeSH D009386, MONDO:0015356.

Submissions (3):

Ambry Genetics
Classification: Uncertain significance for Hereditary cancer-predisposing syndrome. Last evaluated: 2026-07-07. Review status: criteria provided, single submitter. Criteria: Ambry Variant Classification Scheme 2023. Collection method: clinical testing. Allele origin: germline.
Comment: The p.C944G variant (also known as c.2830T>G), located in coding exon 9 of the BRCA1 gene, results from a T to G substitution at nucleotide position 2830. The cysteine at codon 944 is replaced by glycine, an amino acid with highly dissimilar properties. This amino acid position is conserved. In addition, the in silico prediction for this alteration is inconclusive. Based on the available evidence, the clinical significance of this variant remains unclear.

University of Washington Department of Laboratory Medicine, University of Washington
Classification: Likely benign for Hereditary cancer-predisposing syndrome. Last evaluated: 2023-03-23. Review status: criteria provided, single submitter. Criteria: Dines et al. (Genet Med. 2020). Collection method: curation. Allele origin: germline.
Comment: Missense variant in a coldspot region where missense variants are very unlikely to be pathogenic (PMID:31911673).

BRCA1 coldspot (exon 11 using historical exon numbering). Reclassification based on statistical prior probability

GeneDx
Classification: Uncertain significance. Last evaluated: 2019-05-21. Review status: criteria provided, single submitter. Criteria: GeneDx Variant Classification Process June 2021. Collection method: clinical testing. Allele origin: germline. Affected: yes.
Comment: Not observed in large population cohorts (Lek et al., 2016); In silico analysis, which includes protein predictors and evolutionary conservation, supports a deleterious effect; Has not been previously published as pathogenic or benign to our knowledge